The following is an entry in ClinVar:

NM_130837.3(OPA1):c.239A>G (p.Tyr80Cys)

Gene: OPA1 (OPA1 mitochondrial dynamin like GTPase; plus strand). Cytogenetic location: 3q29.
Variant type: single nucleotide variant.
Coding change: c.239A>G on transcript NM_130837.3 (MANE Select); coding-DNA position 239, A replaced by G.
Protein change: p.Tyr80Cys; replaces tyrosine 80 with cysteine.
Molecular consequence: missense variant. On other transcripts: 5 prime UTR variant (2).
Genome position (GRCh38, 1-based): chr3:193,614,929, A>G. VCF-style: chr3-193614929-A-G. GRCh37 (hg19) VCF-style: chr3-193332718-A-G.
Other names: c.-134A>G (NM_001354663.2, NM_001354664.2); c.239A>G, p.Tyr80Cys (NM_015560.3, NM_130831.3, NM_130832.3 and 4 more transcripts); c.239A>G (NM_130837.2); short protein forms Y80C.
Identifiers: ClinVar variation 596133 (VCV000596133.20), dbSNP rs151103940, ClinGen allele CA2758954.

ClinVar aggregate classification (germline): Benign/Likely benign. Review status: criteria provided, multiple submitters, no conflicts (2 of 4 stars). 6 submissions from 6 submitters: Benign (1); Likely benign (5). Last evaluated 2026-07-14.

Conditions:
OPA1-related disorder. Also called: OPA1-related condition; OPA1-related disorders.
Autosomal dominant optic atrophy classic form (OPA1). Also called: KJER-TYPE OPTIC ATROPHY; OPTIC ATROPHY, JUVENILE; Optic Atrophy Type 1. Identifiers: Orphanet 98673, MedGen C0338508, MONDO:0008134, OMIM 165500.

Allele frequency attached by ClinVar (database versions not stated): gnomAD 0.00116 and 0.00109; TOPMed 0.00130; gnomAD exomes 0.00015 and 0.00040; ExAC 0.00050; 1000 Genomes Project 30x 0.00094; 1000 Genomes Project 0.00100; ESP Exome Variant Server 0.00100.
gnomAD v4.1: 383 of 1,613,852 alleles (0.024%); highest among the groups gnomAD compares: African/African-American, 0.41%; 2 homozygotes.

Submissions (6):

PreventionGenetics, part of Exact Sciences
Classification: Likely benign for OPA1-related condition. Last evaluated: 2026-07-14. Review status: criteria provided, single submitter. Criteria: ACMG Guidelines, 2015. Collection method: clinical testing. Allele origin: germline.
Comment: This variant is classified as likely benign based on ACMG/AMP sequence variant interpretation guidelines (Richards et al. 2015 PMID: 25741868, with internal and published modifications).

Labcorp Genetics (formerly Invitae), Labcorp
Classification: Likely benign. Last evaluated: 2026-01-26. Review status: criteria provided, single submitter. Criteria: Invitae Variant Classification Sherloc (09022015). Collection method: clinical testing. Allele origin: germline.

Blueprint Genetics
Classification: Likely benign. Last evaluated: 2024-10-21. Review status: criteria provided, single submitter. Criteria: ACMG Guidelines, 2015. Collection method: clinical testing. Allele origin: germline.

Mendelics
Classification: Benign for Autosomal dominant optic atrophy classic form. Last evaluated: 2023-08-22. Review status: criteria provided, single submitter. Criteria: Mendelics Assertion Criteria 2019. Collection method: clinical testing. Allele origin: germline.

GeneDx
Classification: Likely benign. Last evaluated: 2021-06-22. Review status: criteria provided, single submitter. Criteria: GeneDx Variant Classification Process June 2021. Collection method: clinical testing. Allele origin: germline. Affected: yes.
Comment: In silico analysis, which includes protein predictors and evolutionary conservation, supports a deleterious effect; This variant is associated with the following publications: (PMID: 22707247, 21036400, 18783614, 16617242)

Eurofins Ntd Llc (ga)
Classification: Likely benign. Last evaluated: 2018-03-01. Review status: criteria provided, single submitter. Criteria: EGL ClinVar v180209 classification definitions. Collection method: clinical testing. Allele origin: germline. Observed: 1 variant allele, 1 heterozygote.